The following is an entry in ClinVar:

ClinVar aggregate classification (germline): Uncertain significance (1 of 4 stars; one submission).

Conditions:
Hereditary cancer-predisposing syndrome. Also called: Tumor predisposition; Hereditary neoplastic syndrome; Hereditary Cancer Syndrome; Neoplastic Syndromes, Hereditary. Identifiers: Orphanet 140162, MedGen C0027672, MeSH D009386, MONDO:0015356.

Submission:

Ambry Genetics
Classification: Uncertain significance for Hereditary cancer-predisposing syndrome. Last evaluated: 2024-02-09. Review status: criteria provided, single submitter. Criteria: Ambry Variant Classification Scheme 2023. Collection method: clinical testing. Allele origin: germline.
Comment: The p.Q1388E variant (also known as c.4162C>G), located in coding exon 28 of the ALK gene, results from a C to G substitution at nucleotide position 4162. The glutamine at codon 1388 is replaced by glutamic acid, an amino acid with highly similar properties. This amino acid position is conserved. In addition, the in silico prediction for this alteration is inconclusive. Based on the available evidence, the clinical significance of this alteration remains unclear.

NM_004304.5(ALK):c.4162C>G (p.Gln1388Glu)

Gene: ALK (ALK receptor tyrosine kinase; minus strand). Cytogenetic location: 2p23.2.
Variant type: single nucleotide variant.
Coding change: c.4162C>G on transcript NM_004304.5 (MANE Select); coding-DNA position 4162, C replaced by G.
Protein change: p.Gln1388Glu; replaces glutamine 1388 with glutamic acid.
Molecular consequence: missense variant.
Genome position (GRCh38, 1-based): chr2:29,196,772, G>C on the plus strand (C>G on the coding strand, the complement: ALK is on the minus strand). VCF-style: chr2-29196772-G-C. GRCh37 (hg19) VCF-style: chr2-29419638-G-C.
Other names: c.958C>G, p.Gln320Glu (NM_001353765.2); short protein forms Q1388E, Q320E.
Identifiers: ClinVar variation 3223893 (VCV003223893.1), dbSNP rs2148141693, ClinGen allele CA346464786.